The following is an entry in ClinVar:

NM_017654.4(SAMD9):c.3710A>C (p.Asp1237Ala)

Gene: SAMD9 (sterile alpha motif domain containing 9; minus strand). Cytogenetic location: 7q21.2.
Variant type: single nucleotide variant.
Coding change: c.3710A>C on transcript NM_017654.4 (MANE Select); coding-DNA position 3710, A replaced by C.
Protein change: p.Asp1237Ala; replaces aspartic acid 1237 with alanine.
Molecular consequence: missense variant.
Genome position (GRCh38, 1-based): chr7:93,102,388, T>G on the plus strand (A>C on the coding strand, the complement: SAMD9 is on the minus strand). VCF-style: chr7-93102388-T-G. GRCh37 (hg19) VCF-style: chr7-92731701-T-G.
Other names: c.3710A>C, p.Asp1237Ala (NM_001193307.2); short protein forms D1237A.
Identifiers: ClinVar variation 2632358 (VCV002632358.2), dbSNP rs371082830, ClinGen allele CA4342651.

ClinVar aggregate classification (germline): Uncertain significance. Review status: criteria provided, multiple submitters, no conflicts (2 of 4 stars). 2 submissions from 2 submitters: Uncertain significance (2). Last evaluated 2025-05-25.

Conditions:
SAMD9-related disorder. Also called: SAMD9-related condition.
Inborn genetic diseases. Identifiers: MedGen C0950123, MeSH D030342.

Allele frequency attached by ClinVar (database versions not stated): ExAC 0.00001; gnomAD exomes 0.00001; ESP Exome Variant Server 0.00008.
gnomAD v4.1: 12 of 1,610,026 alleles (0.00075%); highest among the groups gnomAD compares: Non-Finnish European, 0.001%; no homozygotes.

Submissions (2):

Ambry Genetics
Classification: Uncertain significance for Inborn genetic diseases. Last evaluated: 2025-05-25. Review status: criteria provided, single submitter. Criteria: Ambry Variant Classification Scheme 2023. Collection method: clinical testing. Allele origin: germline.
Comment: The p.D1237A variant (also known as c.3710A>C), located in coding exon 1 of the SAMD9 gene, results from an A to C substitution at nucleotide position 3710. The aspartic acid at codon 1237 is replaced by alanine, an amino acid with dissimilar properties. This amino acid position is conserved. In addition, this alteration is predicted to be tolerated by in silico analysis. Based on the available evidence, the clinical significance of this variant remains unclear.

PreventionGenetics, part of Exact Sciences
Classification: Uncertain significance for SAMD9-related condition. Last evaluated: 2023-05-23. Review status: criteria provided, single submitter. Criteria: ACMG Guidelines, 2015. Collection method: clinical testing. Allele origin: germline.
Comment: The SAMD9 c.3710A>C variant is predicted to result in the amino acid substitution p.Asp1237Ala. To our knowledge, this variant has not been reported in the literature or in a large population database, indicating this variant is rare. At this time, the clinical significance of this variant is uncertain due to the absence of conclusive functional and genetic evidence.